The following is an entry in ClinVar:

NM_006231.4(POLE):c.3925G>C (p.Asp1309His)

Gene: POLE (DNA polymerase epsilon, catalytic subunit; minus strand). Cytogenetic location: 12q24.33.
Variant type: single nucleotide variant.
Coding change: c.3925G>C on transcript NM_006231.4 (MANE Select); coding-DNA position 3925, G replaced by C.
Protein change: p.Asp1309His; replaces aspartic acid 1309 with histidine.
Molecular consequence: missense variant.
Genome position (GRCh38, 1-based): chr12:132,649,386, C>G on the plus strand (G>C on the coding strand, the complement: POLE is on the minus strand). VCF-style: chr12-132649386-C-G. GRCh37 (hg19) VCF-style: chr12-133225972-C-G.
Other names: short protein forms D1309H.
Identifiers: ClinVar variation 1481956 (VCV001481956.8), dbSNP rs1555223943, ClinGen allele CA387385095.

ClinVar aggregate classification (germline): Uncertain significance (1 of 4 stars; one submission).

Submission:

Labcorp Genetics (formerly Invitae), Labcorp
Classification: Uncertain significance. Last evaluated: 2020-11-06. Review status: criteria provided, single submitter. Criteria: Invitae Variant Classification Sherloc (09022015). Collection method: clinical testing. Allele origin: germline.
Comment: This variant has not been reported in the literature in individuals with POLE-related conditions. In summary, the available evidence is currently insufficient to determine the role of this variant in disease. Therefore, it has been classified as a Variant of Uncertain Significance. Algorithms developed to predict the effect of missense changes on protein structure and function (SIFT, PolyPhen-2, Align-GVGD) all suggest that this variant is likely to be tolerated, but these predictions have not been confirmed by published functional studies and their clinical significance is uncertain. This variant is not present in population databases (ExAC no frequency). This sequence change replaces aspartic acid with histidine at codon 1309 of the POLE protein (p.Asp1309His). The aspartic acid residue is weakly conserved and there is a moderate physicochemical difference between aspartic acid and histidine.